The following is an entry in ClinVar:

ClinVar aggregate classification (germline): Likely pathogenic (1 of 4 stars; one submission).

Conditions:
Autosomal recessive nonsyndromic hearing loss 84A. Also called: DEAFNESS, AUTOSOMAL RECESSIVE 84A; DEAFNESS, AUTOSOMAL RECESSIVE 84A, WITH VESTIBULAR DYSFUNCTION. Identifiers: Orphanet 90636, MedGen C3150654, MONDO:0013249, OMIM 613391.

Submission:

Juno Genomics, Hangzhou Juno Genomics, Inc
Classification: Likely pathogenic for Autosomal recessive nonsyndromic hearing loss 84A. Review status: criteria provided, single submitter. Criteria: ACMG Guidelines, 2015. Collection method: clinical testing. Allele origin: germline.
Comment: Null variant in a gene where loss of function (LOF) is a known mechanism of disease.;Absent from controls (or at extremely low frequency if recessive) in Genome Aggregation Database.

NM_001145026.2(PTPRQ):c.5072del (p.Gln1691fs)

Gene: PTPRQ (protein tyrosine phosphatase receptor type Q; plus strand). Cytogenetic location: 12q21.31.
Variant type: Deletion.
Coding change: c.5072del on transcript NM_001145026.2 (MANE Select); coding-DNA position 5072, one base deleted (A; older notation c.5072delA).
Protein change: p.Gln1691fs; shifts the reading frame from glutamine 1691.
Molecular consequence: frameshift variant.
Genome position (GRCh38, 1-based): chr12:80,613,745, A deleted. VCF-style (leftmost placement, unchanged base first): chr12-80613744-CA-C. GRCh37 (hg19) VCF-style: chr12-81007523-CA-C.
Other names: short protein forms Q1691fs.
Identifiers: ClinVar variation 5005187 (VCV005005187.2).